The following is an entry in ClinVar:

ClinVar aggregate classification (germline): Likely benign. Review status: criteria provided, multiple submitters, no conflicts (2 of 4 stars). 2 submissions from 2 submitters: Likely benign (2). Last evaluated 2023-06-08.

Conditions:
Arrhythmogenic right ventricular cardiomyopathy (ARVD). Also called: Cardiomyopathy, ARVC; Arrhythmogenic right ventricular dysplasia; Arrhythmogenic cardiomyopathy; Arrhythmogenic Right Ventricular Cardiomyopathy (ARVC). Identifiers: Orphanet 247, MedGen C0349788, MeSH D019571, MONDO:0016587. Disease mechanism: loss of function. Inheritance: Various modes of inheritance.
Cardiomyopathy (CMYO). Also called: Cardiomyopathies. Identifiers: Orphanet 167848, MedGen C0878544, MONDO:0004994, HP:0001638. Inheritance: Various modes of inheritance.

Allele frequency attached by ClinVar (database versions not stated): gnomAD 0.00001; gnomAD exomes below 0.00001; TOPMed below 0.00001.
gnomAD v4.1: 2 of 1,614,038 alleles (0.00012%); highest among the groups gnomAD compares: Non-Finnish European, 0.00017%; no homozygotes.

Submissions (2):

All of Us Research Program, National Institutes of Health
Classification: Likely benign for Arrhythmogenic right ventricular cardiomyopathy. Last evaluated: 2023-06-08. Review status: criteria provided, single submitter. Criteria: ACMG Guidelines, 2015. Collection method: clinical testing. Allele origin: germline. Inheritance: Autosomal dominant inheritance. Observed: 1 variant allele, 1 heterozygote.
Comment: This study involves interpretation of variants in research participants for the purpose of population health screening. Participant phenotype was not available at the time of variant classification. Additional details can be found in publication PMID: 35346344, PMCID: PMC8962531

Color Diagnostics, LLC DBA Color Health
Classification: Likely benign for Cardiomyopathy. Last evaluated: 2020-11-02. Review status: criteria provided, single submitter. Criteria: ACMG Guidelines, 2015. Collection method: clinical testing. Allele origin: germline.

NM_001943.5(DSG2):c.3216G>A (p.Arg1072=)

Genes: DSG2 (desmoglein 2; plus strand), DSG2-AS1 (DSG2 antisense RNA 1; minus strand). Cytogenetic location: 18q12.1.
Variant type: single nucleotide variant.
Coding change: c.3216G>A on transcript NM_001943.5 (MANE Select); coding-DNA position 3216, G replaced by A.
Protein change: p.Arg1072=; no amino-acid change (arginine 1072 retained).
Molecular consequence: synonymous variant.
Genome position (GRCh38, 1-based): chr18:31,546,602, G>A. VCF-style: chr18-31546602-G-A. GRCh37 (hg19) VCF-style: chr18-29126565-G-A.
Identifiers: ClinVar variation 1171580 (VCV001171580.3), dbSNP rs1289097014, ClinGen allele CA503766868.
Genomic context (GRCh38, chr18:31,546,602, plus strand): 5'-ACCTGCTTCCACTCTGCAATCCAGTTACCAGATTCCCACTGAAAATTCTATGACGGCTAG[G>A]AACACCACGGTGTCTGGAGCTGGAGTCCCTGGCCCTCTGCCAGATTTTGGTTTAGAGGAA-3'
Protein context (NP_001934.2, residues 1062-1082): QIPTENSMTA[Arg1072=]NTTVSGAGVP